The following is an entry in ClinVar:

NM_001089.3(ABCA3):c.2953C>T (p.His985Tyr)

Gene: ABCA3 (ATP binding cassette subfamily A member 3; minus strand). Cytogenetic location: 16p13.3.
Variant type: single nucleotide variant.
Coding change: c.2953C>T on transcript NM_001089.3 (MANE Select); coding-DNA position 2953, C replaced by T.
Protein change: p.His985Tyr; replaces histidine 985 with tyrosine.
Molecular consequence: missense variant.
Genome position (GRCh38, 1-based): chr16:2,288,077, G>A on the plus strand (C>T on the coding strand, the complement: ABCA3 is on the minus strand). VCF-style: chr16-2288077-G-A. GRCh37 (hg19) VCF-style: chr16-2338078-G-A.
Other names: short protein forms H985Y.
Identifiers: ClinVar variation 3623916 (VCV003623916.1).

ClinVar aggregate classification (germline): Uncertain significance (1 of 4 stars; one submission).

gnomAD v4.1: 6 of 1,613,086 alleles (0.00037%); highest among the groups gnomAD compares: South Asian, 0.0066%; no homozygotes.

Submission:

Labcorp Genetics (formerly Invitae), Labcorp
Classification: Uncertain significance. Last evaluated: 2024-04-16. Review status: criteria provided, single submitter. Criteria: Invitae Variant Classification Sherloc (09022015). Collection method: clinical testing. Allele origin: germline.
Comment: This sequence change replaces histidine, which is basic and polar, with tyrosine, which is neutral and polar, at codon 985 of the ABCA3 protein (p.His985Tyr). This variant is present in population databases (rs780153948, gnomAD 0.003%). This variant has not been reported in the literature in individuals affected with ABCA3-related conditions. Advanced modeling of protein sequence and biophysical properties (such as structural, functional, and spatial information, amino acid conservation, physicochemical variation, residue mobility, and thermodynamic stability) performed at Invitae indicates that this missense variant is not expected to disrupt ABCA3 protein function with a negative predictive value of 80%. In summary, the available evidence is currently insufficient to determine the role of this variant in disease. Therefore, it has been classified as a Variant of Uncertain Significance.